The following is an entry in ClinVar:

NM_024757.5(EHMT1):c.3461+3G>A

Gene: EHMT1 (euchromatic histone lysine methyltransferase 1; plus strand). Cytogenetic location: 9q34.3.
Variant type: single nucleotide variant.
Coding change: c.3461+3G>A on transcript NM_024757.5 (MANE Select); 3 bases into the intron after coding-DNA position 3461, G replaced by A.
Molecular consequence: intron variant.
Genome position (GRCh38, 1-based): chr9:137,817,528, G>A. VCF-style: chr9-137817528-G-A. GRCh37 (hg19) VCF-style: chr9-140711980-G-A.
Other names: c.3461+3G>A (NM_024757.4); c.3440+3G>A (NM_001354263.2).
Identifiers: ClinVar variation 2184306 (VCV002184306.6), dbSNP rs369361505, ClinGen allele CA5375312.

ClinVar aggregate classification (germline): Uncertain significance. Review status: criteria provided, multiple submitters, no conflicts (2 of 4 stars). 2 submissions from 2 submitters: Uncertain significance (2). Last evaluated 2025-09-08.

Conditions:
Inborn genetic diseases. Identifiers: MedGen C0950123, MeSH D030342.
Kleefstra syndrome 1 (KLEFS1). Identifiers: Orphanet 261494, MedGen C0795833, MONDO:0027407, OMIM 610253.

Allele frequency attached by ClinVar (database versions not stated): gnomAD 0.00001; ESP Exome Variant Server 0.00008; gnomAD exomes below 0.00001; ExAC 0.00001.
gnomAD v4.1: 4 of 1,614,084 alleles (0.00025%); highest among the groups gnomAD compares: African/African-American, 0.0053%; no homozygotes.

Submissions (6):

Ambry Genetics
Classification: Uncertain significance for Inborn genetic diseases. Last evaluated: 2025-09-08. Review status: criteria provided, single submitter. Criteria: Ambry Variant Classification Scheme 2023. Collection method: clinical testing. Allele origin: germline.
Comment: The c.3461+3G>A intronic alteration consists of a G to A substitution nucleotides after coding exon 24 in the EHMT1 gene. Based on insufficient or conflicting evidence, the clinical significance of this alteration remains unclear.

Labcorp Genetics (formerly Invitae), Labcorp
Classification: Uncertain significance for Kleefstra syndrome 1. Last evaluated: 2022-10-14. Review status: criteria provided, single submitter. Criteria: Invitae Variant Classification Sherloc (09022015). Collection method: clinical testing. Allele origin: germline.
Comment: Variants that disrupt the consensus splice site are a relatively common cause of aberrant splicing (PMID: 17576681, 9536098). Algorithms developed to predict the effect of sequence changes on RNA splicing suggest that this variant is not likely to affect RNA splicing. In summary, the available evidence is currently insufficient to determine the role of this variant in disease. Therefore, it has been classified as a Variant of Uncertain Significance. This variant has not been reported in the literature in individuals affected with EHMT1-related conditions. This variant is present in population databases (rs369361505, gnomAD 0.02%). This sequence change falls in intron 24 of the EHMT1 gene. It does not directly change the encoded amino acid sequence of the EHMT1 protein. It affects a nucleotide within the consensus splice site.

Dr. Peter K. Rogan Lab, Western University
No classification provided (evidence only). Condition: Ovarian serous cystadenocarcinoma. Review status: no classification provided. Collection method: in vitro. Allele origin: not applicable. Functional consequence: retained intron. Not counted in ClinVar's aggregate classification.

Dr. Peter K. Rogan Lab, Western University
No classification provided (evidence only). Condition: Ovarian serous cystadenocarcinoma. Review status: no classification provided. Collection method: in vitro. Allele origin: not applicable. Functional consequence: retained intron. Not counted in ClinVar's aggregate classification.

Dr. Peter K. Rogan Lab, Western University
No classification provided (evidence only). Condition: Ovarian serous cystadenocarcinoma. Review status: no classification provided. Collection method: in vitro. Allele origin: not applicable. Functional consequence: retained intron. Not counted in ClinVar's aggregate classification.

Dr. Peter K. Rogan Lab, Western University
No classification provided (evidence only). Condition: Nonpapillary renal cell carcinoma. Review status: no classification provided. Collection method: in vitro. Allele origin: not applicable. Functional consequence: cryptic splice site. Not counted in ClinVar's aggregate classification.

Literature cited by the submitters: PubMed 17576681 (cited by Labcorp Genetics (formerly Invitae), Labcorp); PubMed 9536098 (cited by Labcorp Genetics (formerly Invitae), Labcorp).